The following is an entry in ClinVar:

ClinVar aggregate classification (germline): Uncertain significance (1 of 4 stars; one submission).

Allele frequency attached by ClinVar (database versions not stated): gnomAD exomes below 0.00001 and 0.00001; ExAC 0.00001.
gnomAD v4.1: 9 of 1,613,434 alleles (0.00056%); highest among the groups gnomAD compares: Non-Finnish European, 0.00076%; no homozygotes.

Submission:

GeneDx
Classification: Uncertain significance. Last evaluated: 2020-01-06. Review status: criteria provided, single submitter. Criteria: GeneDx Variant Classification Process June 2021. Collection method: clinical testing. Allele origin: germline. Affected: yes.
Comment: Not observed at a significant frequency in large population cohorts (Lek et al., 2016); In silico analysis, which includes protein predictors and evolutionary conservation, supports a deleterious effect; Has not been previously published as pathogenic or benign to our knowledge

NM_001012614.2(CTBP1):c.989G>C (p.Gly330Ala)

Genes: CTBP1 (C-terminal binding protein 1; minus strand), CTBP1-AS (CTBP1 antisense RNA; plus strand). Cytogenetic location: 4p16.3.
Variant type: single nucleotide variant.
Coding change: c.989G>C on transcript NM_001012614.2 (MANE Select); coding-DNA position 989, G replaced by C.
Protein change: p.Gly330Ala; replaces glycine 330 with alanine.
Molecular consequence: missense variant.
Genome position (GRCh38, 1-based): chr4:1,213,030, C>G on the plus strand (G>C on the coding strand, the complement: CTBP1 is on the minus strand). VCF-style: chr4-1213030-C-G. GRCh37 (hg19) VCF-style: chr4-1206818-C-G.
Other names: c.1022G>C, p.Gly341Ala (NM_001328.3, NM_001377186.1); c.989G>C, p.Gly330Ala (NM_001377187.1, NM_001377188.1, NM_001377189.1 and 4 more transcripts); short protein forms G330A, G341A.
Identifiers: ClinVar variation 1310676 (VCV001310676.2), dbSNP rs748160686, ClinGen allele CA2804209.
Genomic context (GRCh38, chr4:1,213,030, plus strand): 5'-TGGGTGGCGGCTGTCAGATGGTCCTTGTTGACACAGTTCTTCAGGCTGTCTGGGATCCGG[C>G]CTGGGAGATGCAGGAGGAAGGAACAGCTGTGGCTCTGAGGGGGCCCCAGGAGCGTGGCCC-3'
Protein context (NP_001012632.1, residues 320-340): AAREIRRAIT[Gly330Ala]RIPDSLKNCV